The following is an entry in ClinVar:

ClinVar aggregate classification (germline): Likely pathogenic (1 of 4 stars; one submission).

Submission:

Labcorp Genetics (formerly Invitae), Labcorp
Classification: Likely pathogenic. Last evaluated: 2023-04-28. Review status: criteria provided, single submitter. Criteria: Invitae Variant Classification Sherloc (09022015). Collection method: clinical testing. Allele origin: germline.
Comment: This sequence change affects an acceptor splice site in intron 18 of the ITPR1 gene. It is expected to disrupt RNA splicing. Variants that disrupt the donor or acceptor splice site typically lead to a loss of protein function (PMID: 16199547), and loss-of-function variants in ITPR1 are known to be pathogenic (PMID: 27108797). In summary, the currently available evidence indicates that the variant is pathogenic, but additional data are needed to prove that conclusively. Therefore, this variant has been classified as Likely Pathogenic. Algorithms developed to predict the effect of sequence changes on RNA splicing suggest that this variant may disrupt the consensus splice site. This variant has not been reported in the literature in individuals affected with ITPR1-related conditions. This variant is not present in population databases (gnomAD no frequency).

Literature cited by the submitters: PubMed 16199547; PubMed 27108797.

NM_001378452.1(ITPR1):c.2007-2A>G

Gene: ITPR1 (inositol 1,4,5-trisphosphate receptor type 1; plus strand). Cytogenetic location: 3p26.1.
Variant type: single nucleotide variant.
Coding change: c.2007-2A>G on transcript NM_001378452.1 (MANE Select); the canonical splice acceptor site of the intron before coding-DNA position 2007, A replaced by G.
Molecular consequence: splice acceptor variant.
Genome position (GRCh38, 1-based): chr3:4,670,727, A>G. VCF-style: chr3-4670727-A-G. GRCh37 (hg19) VCF-style: chr3-4712411-A-G.
Other names: c.2007-2A>G (NM_001099952.4); c.1962-2A>G (NM_001168272.2, NM_002222.7).
Identifiers: ClinVar variation 2860416 (VCV002860416.3), dbSNP rs2470742049, ClinGen allele CA351644897.
Genomic context (GRCh38, chr3:4,670,727, plus strand): 5'-AAAGCTAGATCTCAAAGTATTTTTAAAAATAGTAACTTTTCCCTCCTCCTCTTGTTTTCT[A>G]GGTTGGTTCTTTCTCGTTTTGAATTTGAAGGTGTCTCTTCCACTGGAGAGAATGCTCTGG-3'